The following is an entry in ClinVar:

NM_000130.5(F5):c.271T>C (p.Tyr91His)

Gene: F5 (coagulation factor V; minus strand). Cytogenetic location: 1q24.2.
Variant type: single nucleotide variant.
Coding change: c.271T>C on transcript NM_000130.5 (MANE Select); coding-DNA position 271, T replaced by C.
Protein change: p.Tyr91His; replaces tyrosine 91 with histidine.
Molecular consequence: missense variant.
Genome position (GRCh38, 1-based): chr1:169,572,323, A>G on the plus strand (T>C on the coding strand, the complement: F5 is on the minus strand). VCF-style: chr1-169572323-A-G. GRCh37 (hg19) VCF-style: chr1-169541561-A-G.
Other names: short protein forms Y91H.
Identifiers: ClinVar variation 2597067 (VCV002597067.4), dbSNP rs367901835, ClinGen allele CA1234667.
Genomic context (GRCh38, chr1:169,572,323, plus strand): 5'-TCAAGGGCTTATCTGCCTTATTTTTAAAGTGAACTTTTATGATGTCTCCGACTTCAGCAT[A>G]TAAAGTAGGCCCAAGAAGTCCTGTGAAAACAAATATTTAAACTATGTCTGTATTCAGGGT-3'
Protein context (NP_000121.2, residues 81-101): TISGLLGPTL[Tyr91His]AEVGDIIKVH

ClinVar aggregate classification (germline): Uncertain significance. Review status: criteria provided, multiple submitters, no conflicts (2 of 4 stars). 2 submissions from 2 submitters: Uncertain significance (2). Last evaluated 2026-01-17.

Conditions:
Congenital factor V deficiency. Also called: Hereditary factor V deficiency disease; LABILE FACTOR DEFICIENCY; OWREN PARAHEMOPHILIA; PARAHEMOPHILIA. Identifiers: Orphanet 326, MedGen C0015499, MONDO:0009210, OMIM 227400.
Inborn genetic diseases. Identifiers: MedGen C0950123, MeSH D030342.

Allele frequency attached by ClinVar (database versions not stated): TOPMed 0.00002; gnomAD 0.00003; gnomAD exomes 0.00003; ESP Exome Variant Server 0.00008; ExAC 0.00009.
gnomAD v4.1: 51 of 1,613,208 alleles (0.0032%); highest among the groups gnomAD compares: Non-Finnish European, 0.0042%; no homozygotes.

Submissions (2):

Ambry Genetics
Classification: Uncertain significance for Inborn genetic diseases. Last evaluated: 2026-01-17. Review status: criteria provided, single submitter. Criteria: Ambry Variant Classification Scheme 2023. Collection method: clinical testing. Allele origin: germline.
Comment: The p.Y91H variant (also known as c.271T>C), located in coding exon 3 of the F5 gene, results from a T to C substitution at nucleotide position 271. The tyrosine at codon 91 is replaced by histidine, an amino acid with similar properties. This amino acid position is conserved. In addition, the in silico prediction for this alteration is inconclusive. Based on the available evidence, the clinical significance of this variant remains unclear.

Labcorp Genetics (formerly Invitae), Labcorp
Classification: Uncertain significance for Congenital factor V deficiency. Last evaluated: 2025-06-22. Review status: criteria provided, single submitter. Criteria: Invitae Variant Classification Sherloc (09022015). Collection method: clinical testing. Allele origin: germline.
Comment: This sequence change replaces tyrosine, which is neutral and polar, with histidine, which is basic and polar, at codon 91 of the F5 protein (p.Tyr91His). This variant is present in population databases (rs367901835, gnomAD 0.01%). This variant has not been reported in the literature in individuals affected with F5-related conditions. ClinVar contains an entry for this variant (Variation ID: 2597067). Invitae Evidence Modeling of protein sequence and biophysical properties (such as structural, functional, and spatial information, amino acid conservation, physicochemical variation, residue mobility, and thermodynamic stability) indicates that this missense variant is expected to disrupt F5 protein function with a positive predictive value of 80%. In summary, the available evidence is currently insufficient to determine the role of this variant in disease. Therefore, it has been classified as a Variant of Uncertain Significance.